The following is an entry in ClinVar:

ClinVar aggregate classification (germline): Uncertain significance (1 of 4 stars; one submission).

Conditions:
Atelosteogenesis type II (AO2). Also called: NEONATAL OSSEOUS DYSPLASIA I; SLC26A2-Related Atelosteogenesis; Neonatal osseous dysplasia 1. Identifiers: Orphanet 56304, MedGen C1850554, MONDO:0009727, OMIM 256050.
Achondrogenesis, type IB (ACG1B). Also called: Achondrogenesis Type 1B. Identifiers: Orphanet 932, Orphanet 93298, MedGen C0265274, MONDO:0010966, OMIM 600972.
Diastrophic dysplasia (DTD). Also called: Diastrophic dwarfism. Identifiers: Orphanet 628, MedGen C0220726, MONDO:0009107, OMIM 222600.
Multiple epiphyseal dysplasia type 4 (EDM4). Also called: Multiple Epiphyseal Dysplasia, Recessive; MULTIPLE EPIPHYSEAL DYSPLASIA WITH BILAYERED PATELLAE; MULTIPLE EPIPHYSEAL DYSPLASIA WITH CLUBFOOT; MULTIPLE EPIPHYSEAL DYSPLASIA, AUTOSOMAL RECESSIVE; SLC26A2-Related Multiple Epiphyseal Dysplasia. Identifiers: Orphanet 93307, MedGen C1847593, MONDO:0009189, OMIM 226900.

Submission:

Labcorp Genetics (formerly Invitae), Labcorp
Classification: Uncertain significance for Atelosteogenesis type II; Multiple epiphyseal dysplasia type 4; Achondrogenesis, type IB; Diastrophic dysplasia. Last evaluated: 2022-06-17. Review status: criteria provided, single submitter. Criteria: Invitae Variant Classification Sherloc (09022015). Collection method: clinical testing. Allele origin: germline.
Comment: In summary, the available evidence is currently insufficient to determine the role of this variant in disease. Therefore, it has been classified as a Variant of Uncertain Significance. Advanced modeling of protein sequence and biophysical properties (such as structural, functional, and spatial information, amino acid conservation, physicochemical variation, residue mobility, and thermodynamic stability) performed at Invitae indicates that this missense variant is not expected to disrupt SLC26A2 protein function. This variant has not been reported in the literature in individuals affected with SLC26A2-related conditions. This variant is not present in population databases (gnomAD no frequency). This sequence change replaces leucine, which is neutral and non-polar, with valine, which is neutral and non-polar, at codon 204 of the SLC26A2 protein (p.Leu204Val).

NM_000112.4(SLC26A2):c.610T>G (p.Leu204Val)

Gene: SLC26A2 (solute carrier family 26 member 2; plus strand). Cytogenetic location: 5q32.
Variant type: single nucleotide variant.
Coding change: c.610T>G on transcript NM_000112.4 (MANE Select); coding-DNA position 610, T replaced by G.
Protein change: p.Leu204Val; replaces leucine 204 with valine.
Molecular consequence: missense variant.
Genome position (GRCh38, 1-based): chr5:149,978,262, T>G. VCF-style: chr5-149978262-T-G. GRCh37 (hg19) VCF-style: chr5-149357825-T-G.
Other names: short protein forms L204V.
Identifiers: ClinVar variation 2002847 (VCV002002847.4), dbSNP rs2480771526, ClinGen allele CA361705353.